The following is an entry in ClinVar:

NM_003482.4(KMT2D):c.2860T>C (p.Leu954=)

Gene: KMT2D (lysine methyltransferase 2D; minus strand). Cytogenetic location: 12q13.12.
Variant type: single nucleotide variant.
Coding change: c.2860T>C on transcript NM_003482.4 (MANE Select); coding-DNA position 2860, T replaced by C.
Protein change: p.Leu954=; no amino-acid change (leucine 954 retained).
Molecular consequence: synonymous variant.
Genome position (GRCh38, 1-based): chr12:49,050,728, A>G on the plus strand (T>C on the coding strand, the complement: KMT2D is on the minus strand). VCF-style: chr12-49050728-A-G. GRCh37 (hg19) VCF-style: chr12-49444511-A-G.
Identifiers: ClinVar variation 94208 (VCV000094208.7), dbSNP rs398123740, ClinGen allele CA222066.

ClinVar aggregate classification (germline): Uncertain significance. Review status: criteria provided, single submitter (1 of 4 stars). 2 submissions from 2 submitters: Uncertain significance (1). 1 of the submissions does not count toward it. Last evaluated 2012-09-14.

Conditions:
KMT2D-related disorder. Also called: KMT2D-Related Disorders.

Submissions (2):

Eurofins Ntd Llc (ga)
Classification: Uncertain significance. Last evaluated: 2012-09-14. Review status: criteria provided, single submitter. Criteria: EGL Classification Definitions 2015. Collection method: clinical testing. Allele origin: germline. Observed: 1 variant allele, 1 heterozygote.

PreventionGenetics, part of Exact Sciences
Classification: Likely benign for KMT2D-related condition. Last evaluated: 2021-03-04. Review status: no assertion criteria provided. Collection method: clinical testing. Allele origin: germline. Not counted in ClinVar's aggregate classification.
Comment: This variant is classified as likely benign based on ACMG/AMP sequence variant interpretation guidelines (Richards et al. 2015 PMID: 25741868, with internal and published modifications).